The following is an entry in ClinVar:

NM_001267550.2(TTN):c.90814T>A (p.Trp30272Arg)

Genes: TTN (titin; minus strand), TTN-AS1 (TTN antisense RNA 1; plus strand). Cytogenetic location: 2q31.2.
Variant type: single nucleotide variant.
Coding change: c.90814T>A on transcript NM_001267550.2 (MANE Select); coding-DNA position 90814, T replaced by A.
Protein change: p.Trp30272Arg; replaces tryptophan 30272 with arginine.
Molecular consequence: missense variant.
Genome position (GRCh38, 1-based): chr2:178,552,086, A>T on the plus strand (T>A on the coding strand, the complement: TTN is on the minus strand). VCF-style: chr2-178552086-A-T. GRCh37 (hg19) VCF-style: chr2-179416813-A-T.
Other names: c.85891T>A, p.Trp28631Arg (NM_001256850.1); c.63619T>A, p.Trp21207Arg (NM_003319.4); c.83110T>A, p.Trp27704Arg (NM_133378.4); c.63994T>A, p.Trp21332Arg (NM_133432.3); c.64195T>A, p.Trp21399Arg (NM_133437.4); short protein forms W30272R, W21332R, W27704R, W21399R, W28631R, W21207R.
Identifiers: ClinVar variation 404755 (VCV000404755.1), dbSNP rs777716014, ClinGen allele CA16610245.
Genomic context (GRCh38, chr2:178,552,086, plus strand): 5'-CTTTGACTAGATTAGGAACTTTGAAAGTCGTTCTGGCAACACTTGAACACACCATCTTCC[A>T]GTTAGTTTGTGAAGTTTCCCGCTTCTCGATGCTGTAACAAGTAATTTCTCCTCCTCCATT-3'
Protein context (NP_001254479.2, residues 30262-30282): IEKRETSQTN[Trp30272Arg]KMVCSSVART

ClinVar aggregate classification (germline): Uncertain significance (1 of 4 stars; one submission).

Conditions:
Dilated cardiomyopathy 1G (CMD1G). Identifiers: Orphanet 154, MedGen C1858763, MONDO:0011400, OMIM 604145.
Autosomal recessive limb-girdle muscular dystrophy type 2J (LGMDR10). Also called: Limb-girdle muscular dystrophy, type 2J; MUSCULAR DYSTROPHY, LIMB-GIRDLE, AUTOSOMAL RECESSIVE 10. Identifiers: Orphanet 140922, MedGen C1837342, MONDO:0012127, OMIM 608807.

gnomAD v4.1: 2 of 1,613,728 alleles (0.00012%); no homozygotes.

Submission:

Labcorp Genetics (formerly Invitae), Labcorp
Classification: Uncertain significance for Dilated cardiomyopathy 1G; Autosomal recessive limb-girdle muscular dystrophy type 2J. Last evaluated: 2016-06-26. Review status: criteria provided, single submitter. Criteria: Invitae Variant Classification Sherloc (09022015). Collection method: clinical testing. Allele origin: germline.
Comment: This sequence change replaces tryptophan with arginine at codon 30272 of the TTN protein (p.Trp30272Arg). The tryptophan residue is highly conserved and there is a moderate physicochemical difference between tryptophan and arginine. This variant is not present in population databases (ExAC no frequency) and has not been reported in the literature in individuals with a TTN-related disease. Algorithms developed to predict the effect of sequence changes on mRNA splicing suggest that this variant may alter mRNA splicing, but this prediction has not been confirmed by published transcriptional studies. In summary, this variant is a novel missense change with uncertain impact on splicing. It has been classified as a Variant of Uncertain Significance.